The following is an entry in ClinVar:

NM_014795.4(ZEB2):c.2337G>C (p.Arg779Ser)

Gene: ZEB2 (zinc finger E-box binding homeobox 2; minus strand). Cytogenetic location: 2q22.3.
Variant type: single nucleotide variant.
Coding change: c.2337G>C on transcript NM_014795.4 (MANE Select); coding-DNA position 2337, G replaced by C.
Protein change: p.Arg779Ser; replaces arginine 779 with serine.
Molecular consequence: missense variant.
Genome position (GRCh38, 1-based): chr2:144,398,850, C>G on the plus strand (G>C on the coding strand, the complement: ZEB2 is on the minus strand). VCF-style: chr2-144398850-C-G. GRCh37 (hg19) VCF-style: chr2-145156417-C-G.
Other names: c.2265G>C, p.Arg755Ser (NM_001171653.2); short protein forms R779S, R755S.
Identifiers: ClinVar variation 661027 (VCV000661027.8), dbSNP rs1573715809, ClinGen allele CA348708510.

ClinVar aggregate classification (germline): Uncertain significance (1 of 4 stars; one submission).

Conditions:
Mowat-Wilson syndrome (MOWS). Also called: Classic Mowat-Wilson Syndrome. Identifiers: Orphanet 2152, MedGen C1856113, MONDO:0009341, OMIM 235730.

Submission:

Labcorp Genetics (formerly Invitae), Labcorp
Classification: Uncertain significance for Mowat-Wilson syndrome. Last evaluated: 2018-09-13. Review status: criteria provided, single submitter. Criteria: Invitae Variant Classification Sherloc (09022015). Collection method: clinical testing. Allele origin: germline.
Comment: This sequence change replaces arginine with serine at codon 779 of the ZEB2 protein (p.Arg779Ser). The arginine residue is highly conserved and there is a moderate physicochemical difference between arginine and serine. This variant is not present in population databases (ExAC no frequency). In summary, the available evidence is currently insufficient to determine the role of this variant in disease. Therefore, it has been classified as a Variant of Uncertain Significance. Algorithms developed to predict the effect of missense changes on protein structure and function are either unavailable or do not agree on the potential impact of this missense change (SIFT: "Tolerated"; PolyPhen-2: "Possibly Damaging"; Align-GVGD: "Class C0"). This variant has not been reported in the literature in individuals with ZEB2-related disease.